The following is an entry in ClinVar:

NM_001367823.1(ARHGEF18):c.968-377del

Gene: ARHGEF18 (Rho/Rac guanine nucleotide exchange factor 18; plus strand). Cytogenetic location: 19p13.2.
Variant type: Deletion.
Coding change: c.968-377del on transcript NM_001367823.1 (MANE Select); 377 bases into the intron before coding-DNA position 968, one base deleted (G; older notation c.968-377delG).
Molecular consequence: intron variant. On other transcripts: 5 prime UTR variant (1).
Genome position (GRCh38, 1-based): chr19:7,439,967, G deleted. VCF-style (leftmost placement, unchanged base first): chr19-7439966-TG-T. GRCh37 (hg19) VCF-style: chr19-7504852-TG-T.
Other names: c.-136del (NM_001130955.2); c.-226-222del (NM_001367824.1); c.-71-377del (NM_015318.4).
Identifiers: ClinVar variation 1076913 (VCV001076913.4), dbSNP rs1446982305, ClinGen allele CA631461810.
Genomic context (GRCh38, chr19:7,439,966, plus strand): 5'-TATCAAAGCAGCAAATACTGCAATTTCCACAGTAAATGGTCACAGTGGGGACCAATATCC[TG>T]CCCTCCAGACCCGCTGCTTCAGCCAATACAGCAAGGGAAGACGCAGCTCTGTTTTCTAGA-3'

ClinVar aggregate classification (germline): Pathogenic (1 of 4 stars; one submission).

Allele frequency attached by ClinVar (database versions not stated): gnomAD exomes 0.00001; TOPMed 0.00001.

Submission:

Labcorp Genetics (formerly Invitae), Labcorp
Classification: Pathogenic. Last evaluated: 2022-03-19. Review status: criteria provided, single submitter. Criteria: Invitae Variant Classification Sherloc (09022015). Collection method: clinical testing. Allele origin: germline.
Comment: This sequence change creates a premature translational stop signal (p.Ser11Profs*86) in the ARHGEF18 gene. It is expected to result in an absent or disrupted protein product. Loss-of-function variants in ARHGEF18 are known to be pathogenic (PMID: 28132693). This variant is present in population databases (no rsID available, gnomAD 0.002%). This variant has not been reported in the literature in individuals affected with ARHGEF18-related conditions. ClinVar contains an entry for this variant (Variation ID: 1076913). For these reasons, this variant has been classified as Pathogenic.

Literature cited by the submitters: PubMed 28132693.